The following is an entry in ClinVar:

NM_000303.3(PMM2):c.208G>T (p.Glu70Ter)

Gene: PMM2 (phosphomannomutase 2; plus strand). Cytogenetic location: 16p13.2.
Variant type: single nucleotide variant.
Coding change: c.208G>T on transcript NM_000303.3 (MANE Select); coding-DNA position 208, G replaced by T.
Protein change: p.Glu70Ter; replaces glutamic acid 70 with a stop codon.
Molecular consequence: nonsense.
Genome position (GRCh38, 1-based): chr16:8,804,796, G>T. VCF-style: chr16-8804796-G-T. GRCh37 (hg19) VCF-style: chr16-8898653-G-T.
Other names: short protein forms E70*.
Identifiers: ClinVar variation 2697642 (VCV002697642.3), dbSNP rs2549144474, ClinGen allele CA394695872.

ClinVar aggregate classification (germline): Pathogenic (1 of 4 stars; one submission).

Conditions:
PMM2-congenital disorder of glycosylation. Also called: PMM2-CDG; CDG Ia; JAEKEN SYNDROME; PHOSPHOMANNOMUTASE 2 DEFICIENCY; CARBOHYDRATE-DEFICIENT GLYCOPROTEIN SYNDROME, TYPE Ia; Congenital disorder of glycosylation, type Ia. Identifiers: Orphanet 79318, MedGen C0349653, MONDO:0008907, OMIM 212065.

Submission:

Labcorp Genetics (formerly Invitae), Labcorp
Classification: Pathogenic for PMM2-congenital disorder of glycosylation. Last evaluated: 2023-06-07. Review status: criteria provided, single submitter. Criteria: Invitae Variant Classification Sherloc (09022015). Collection method: clinical testing. Allele origin: germline.
Comment: For these reasons, this variant has been classified as Pathogenic. Algorithms developed to predict the effect of sequence changes on RNA splicing suggest that this variant may disrupt the consensus splice site. This variant has not been reported in the literature in individuals affected with PMM2-related conditions. This variant is not present in population databases (gnomAD no frequency). This sequence change creates a premature translational stop signal (p.Glu70*) in the PMM2 gene. It is expected to result in an absent or disrupted protein product. Loss-of-function variants in PMM2 are known to be pathogenic (PMID: 19862844).

Literature cited by the submitters: PubMed 19862844.